The following is an entry in ClinVar:

ClinVar aggregate classification (germline): Benign/Likely benign. Review status: criteria provided, multiple submitters, no conflicts (2 of 4 stars). 2 submissions from 2 submitters: Benign (1); Likely benign (1). Last evaluated 2026-01-25.

Conditions:
STX3-related disorder. Also called: STX3-related condition.

Allele frequency attached by ClinVar (database versions not stated): gnomAD 0.00705 and 0.00672; 1000 Genomes Project 30x 0.00734; TOPMed 0.00805; ESP Exome Variant Server 0.00847; gnomAD exomes 0.00076 and 0.00186; ExAC 0.00206; 1000 Genomes Project 0.00659.

Submissions (2):

Labcorp Genetics (formerly Invitae), Labcorp
Classification: Benign. Last evaluated: 2026-01-25. Review status: criteria provided, single submitter. Criteria: Invitae Variant Classification Sherloc (09022015). Collection method: clinical testing. Allele origin: germline.

PreventionGenetics, part of Exact Sciences
Classification: Likely benign for STX3-related condition. Last evaluated: 2024-11-13. Review status: criteria provided, single submitter. Criteria: ACMG Guidelines, 2015. Collection method: clinical testing. Allele origin: germline.
Comment: This variant is classified as likely benign based on ACMG/AMP sequence variant interpretation guidelines (Richards et al. 2015 PMID: 25741868, with internal and published modifications).

NM_004177.5(STX3):c.826G>A (p.Gly276Ser)

Gene: STX3 (syntaxin 3; plus strand). Cytogenetic location: 11q12.1.
Variant type: single nucleotide variant.
Coding change: c.826G>A on transcript NM_004177.5 (MANE Select); coding-DNA position 826, G replaced by A.
Protein change: p.Gly276Ser; replaces glycine 276 with serine.
Molecular consequence: missense variant. On other transcripts: intron variant (4).
Genome position (GRCh38, 1-based): chr11:59,797,322, G>A. VCF-style: chr11-59797322-G-A. GRCh37 (hg19) VCF-style: chr11-59564795-G-A.
Other names: c.786+1840G>A (NM_001178040.3, NM_001440526.1); c.820G>A, p.Gly274Ser (NM_001440528.1); c.805G>A, p.Gly269Ser (NM_001440530.1); c.715G>A, p.Gly239Ser (NM_001440531.1); c.786+1610G>A (NM_001440529.1, NM_001440527.1); c.826G>A, p.Gly276Ser (NM_001440522.1, NM_001440523.1, NM_001440524.1 and 1 more transcripts); short protein forms G276S, G239S, G269S, G274S.
Identifiers: ClinVar variation 776614 (VCV000776614.12), dbSNP rs34563654, ClinGen allele CA6021036.